The following is an entry in ClinVar:

NM_016333.4(SRRM2):c.7230A>G (p.Pro2410=)

Gene: SRRM2 (serine/arginine repetitive matrix 2; plus strand). Cytogenetic location: 16p13.3.
Variant type: single nucleotide variant.
Coding change: c.7230A>G on transcript NM_016333.4 (MANE Select); coding-DNA position 7230, A replaced by G.
Protein change: p.Pro2410=; no amino-acid change (proline 2410 retained).
Molecular consequence: synonymous variant.
Genome position (GRCh38, 1-based): chr16:2,767,758, A>G. VCF-style: chr16-2767758-A-G. GRCh37 (hg19) VCF-style: chr16-2817759-A-G.
Identifiers: ClinVar variation 4534945 (VCV004534945.6).
Genomic context (GRCh38, chr16:2,767,758, plus strand): 5'-CGAGCGTGTCAGTGGCAGAACCTCACCACCGCTCCTTGACCGAGCTAGGTCCAGAACACC[A>G]CCGTCTGCCCCAAGCCAATCTAGGATGACCTCTGAACGGGCTCCCTCCCCTTCCTCTAGA-3'
Protein context (NP_057417.3, residues 2400-2420): PLLDRARSRT[Pro2410=]PSAPSQSRMT

ClinVar aggregate classification (germline): Likely benign (1 of 4 stars; one submission).

Submission:

CeGaT Center for Human Genetics Tuebingen
Classification: Likely benign. Last evaluated: 2025-10-01. Review status: criteria provided, single submitter. Criteria: CeGaT Center For Human Genetics Tuebingen Variant Classification Criteria Version 2. Collection method: clinical testing. Allele origin: germline. Affected: yes. Observed: 1 variant allele.
Comment: SRRM2: BP4, BP7